The following is an entry in ClinVar:

NM_001365999.1(SZT2):c.1923-6C>A

Gene: SZT2 (SZT2 subunit of KICSTOR complex; plus strand). Cytogenetic location: 1p34.2.
Variant type: single nucleotide variant.
Coding change: c.1923-6C>A on transcript NM_001365999.1 (MANE Select); 6 bases into the intron before coding-DNA position 1923, C replaced by A.
Molecular consequence: intron variant.
Genome position (GRCh38, 1-based): chr1:43,422,763, C>A. VCF-style: chr1-43422763-C-A. GRCh37 (hg19) VCF-style: chr1-43888434-C-A.
Other names: c.1923-6C>A (NM_015284.4).
Identifiers: ClinVar variation 660782 (VCV000660782.8), dbSNP rs968468172, ClinGen allele CA915941224.

ClinVar aggregate classification (germline): Uncertain significance (1 of 4 stars; one submission).

Submission:

Labcorp Genetics (formerly Invitae), Labcorp
Classification: Uncertain significance. Last evaluated: 2018-08-07. Review status: criteria provided, single submitter. Criteria: Invitae Variant Classification Sherloc (09022015). Collection method: clinical testing. Allele origin: germline.
Comment: This variant has not been reported in the literature in individuals with SZT2-related disease. Algorithms developed to predict the effect of sequence changes on RNA splicing suggest that this variant may disrupt the consensus splice site, but this prediction has not been confirmed by published transcriptional studies. In summary, the available evidence is currently insufficient to determine the role of this variant in disease. Therefore, it has been classified as a Variant of Uncertain Significance. This variant is not present in population databases (ExAC no frequency). This sequence change falls in intron 13 of the SZT2 gene. It does not directly change the encoded amino acid sequence of the SZT2 protein.